The following is an entry in ClinVar:

ClinVar aggregate classification (germline): Uncertain significance. Review status: criteria provided, multiple submitters, no conflicts (2 of 4 stars). 2 submissions from 2 submitters: Uncertain significance (2). Last evaluated 2025-01-22.

Conditions:
Multiple sulfatase deficiency (MSD). Also called: Mucosulfatidosis; Multiple Sulfatase Deficiency Disease; Sulfatidosis, Juvenile, Austin Type. Identifiers: Orphanet 585, MedGen C0268263, MONDO:0010088, OMIM 272200.
Inborn genetic diseases. Identifiers: MedGen C0950123, MeSH D030342.

Allele frequency attached by ClinVar (database versions not stated): gnomAD exomes 0.00004; ExAC 0.00006; gnomAD 0.00007; TOPMed 0.00008; ESP Exome Variant Server 0.00015.
gnomAD v4.1: 78 of 1,613,730 alleles (0.0048%); highest among the groups gnomAD compares: South Asian, 0.0055%; 1 homozygote.

Submissions (2):

Ambry Genetics
Classification: Uncertain significance for Inborn genetic diseases. Last evaluated: 2025-01-22. Review status: criteria provided, single submitter. Criteria: Ambry Variant Classification Scheme 2023. Collection method: clinical testing. Allele origin: germline.

Labcorp Genetics (formerly Invitae), Labcorp
Classification: Uncertain significance for Multiple sulfatase deficiency. Last evaluated: 2022-07-26. Review status: criteria provided, single submitter. Criteria: Invitae Variant Classification Sherloc (09022015). Collection method: clinical testing. Allele origin: germline.
Comment: This sequence change replaces threonine, which is neutral and polar, with methionine, which is neutral and non-polar, at codon 315 of the SUMF1 protein (p.Thr315Met). This variant is present in population databases (rs146164667, gnomAD 0.009%), including at least one homozygous and/or hemizygous individual. This variant has not been reported in the literature in individuals affected with SUMF1-related conditions. Algorithms developed to predict the effect of missense changes on protein structure and function output the following: SIFT: "Deleterious"; PolyPhen-2: "Benign"; Align-GVGD: "Class C0". The methionine amino acid residue is found in multiple mammalian species, which suggests that this missense change does not adversely affect protein function. In summary, the available evidence is currently insufficient to determine the role of this variant in disease. Therefore, it has been classified as a Variant of Uncertain Significance.

NM_182760.4(SUMF1):c.944C>T (p.Thr315Met)

Gene: SUMF1 (sulfatase modifying factor 1; minus strand). Cytogenetic location: 3p26.1.
Variant type: single nucleotide variant.
Coding change: c.944C>T on transcript NM_182760.4 (MANE Select); coding-DNA position 944, C replaced by T.
Protein change: p.Thr315Met; replaces threonine 315 with methionine.
Molecular consequence: missense variant.
Genome position (GRCh38, 1-based): chr3:4,410,875, G>A on the plus strand (C>T on the coding strand, the complement: SUMF1 is on the minus strand). VCF-style: chr3-4410875-G-A. GRCh37 (hg19) VCF-style: chr3-4452559-G-A.
Other names: c.869C>T, p.Thr290Met (NM_001164674.2); c.944C>T, p.Thr315Met (NM_001164675.2); c.944C>T (NM_182760.3); short protein forms T315M, T290M.
Identifiers: ClinVar variation 2085703 (VCV002085703.2), dbSNP rs146164667, ClinGen allele CA2230399.